The following is an entry in ClinVar:

NM_004315.6(ASAH1):c.35G>C (p.Arg12Pro)

Gene: ASAH1 (N-acylsphingosine amidohydrolase 1; minus strand). Cytogenetic location: 8p22.
Variant type: single nucleotide variant.
Coding change: c.35G>C on transcript NM_004315.6; coding-DNA position 35, G replaced by C.
Protein change: p.Arg12Pro; replaces arginine 12 with proline.
Molecular consequence: missense variant. On other transcripts: genic upstream transcript variant (1).
Genome position (GRCh38, 1-based): chr8:18,084,767, C>G on the plus strand (G>C on the coding strand, the complement: ASAH1 is on the minus strand). VCF-style: chr8-18084767-C-G. GRCh37 (hg19) VCF-style: chr8-17942276-C-G.
Other names: c.-709G>C (NM_177924.5); c.35G>C, p.Arg12Pro (NM_001127505.3); short protein forms R12P.
Identifiers: ClinVar variation 433108 (VCV000433108.47), dbSNP rs147896487, ClinGen allele CA4651233.

ClinVar aggregate classification (germline): Conflicting classifications of pathogenicity. Review status: criteria provided, conflicting classifications (1 of 4 stars). 7 submissions from 7 submitters: Uncertain significance (1); Benign (1); Likely benign (4). 1 of the submissions does not count toward it. Last evaluated 2026-06-01.

Conditions:
ASAH1-related sphingolipidosis. Identifiers: MedGen CN375562, MONDO:0100524.
Self-limited epilepsy with centrotemporal spikes. Also called: Childhood epilepsy with centrotemporal spikes; Rolandic epilepsy. Identifiers: Orphanet 1945, MedGen C0376532, MONDO:0007295.
ASAH1-related disorders. Also called: ASAH1-related condition; ASAH1-related disorder. Identifiers: MedGen CN376120, MONDO:0800460.

Allele frequency attached by ClinVar (database versions not stated): 1000 Genomes Project 30x 0.00016; 1000 Genomes Project 0.00020; TOPMed 0.00075; ESP Exome Variant Server 0.00115; gnomAD exomes 0.00133; ExAC 0.00146; gnomAD 0.00149 and 0.00155.
gnomAD v4.1: 1,945 of 1,613,634 alleles (0.12%); highest among the groups gnomAD compares: Non-Finnish European, 0.13%; 7 homozygotes.

Submissions (7):

CeGaT Center for Human Genetics Tuebingen
Classification: Likely benign. Last evaluated: 2026-06-01. Review status: criteria provided, single submitter. Criteria: CeGaT Center For Human Genetics Tuebingen Variant Classification Criteria Version 2. Collection method: clinical testing. Allele origin: germline. Affected: yes. Observed: 11 variant alleles.
Comment: ASAH1: BP4, BS2

PreventionGenetics, part of Exact Sciences
Classification: Likely benign for ASAH1-related condition. Last evaluated: 2026-03-01. Review status: criteria provided, single submitter. Criteria: ACMG Guidelines, 2015. Collection method: clinical testing. Allele origin: germline.
Comment: This variant is classified as likely benign based on ACMG/AMP sequence variant interpretation guidelines (Richards et al. 2015 PMID: 25741868, with internal and published modifications).

Women's Health and Genetics/Laboratory Corporation of America, LabCorp
Classification: Likely benign. Last evaluated: 2024-12-17. Review status: criteria provided, single submitter. Criteria: LabCorp Variant Classification Summary - May 2015. Collection method: clinical testing. Allele origin: germline.
Comment: Variant summary: ASAH1 c.-709G>C is located in the untranscribed region upstream of the ASAH1 gene region. The variant allele was found at a frequency of 0.0012 in 1613634 control chromosomes in the gnomAD database, including 7 homozygotes. The observed variant frequency is approximately 1.08-fold of the estimated maximal expected allele frequency for a pathogenic variant in ASAH1 causing Farber lipogranulomatosis phenotype (0.0011). c.-709G>C (also reported as c.35G>C) has been reported in the literature in at least one individual affected with clinical features of Farber lipogranulomatosis who carried 2 additional ASAH1 variants, a frameshift and missense variant, classified by authors as pathogenic and VUS, respectively, without phase reported (e.g. Axente_2021). The variant was also reported in individuals affected with Rolanidic epilepsy, without evidence of causality (e.g. Bobbili_2018). These reports do not provide unequivocal conclusions about association of the variant with Farber lipogranulomatosis. To our knowledge, no experimental evidence demonstrating an impact on protein function has been reported. The following publications have been ascertained in the context of this evaluation (PMID: 34377212, 29358611). ClinVar contains an entry for this variant (Variation ID: 433108). Based on the evidence outlined above, the variant was classified as likely benign.

Blueprint Genetics
Classification: Likely benign. Last evaluated: 2024-11-25. Review status: criteria provided, single submitter. Criteria: ACMG Guidelines, 2015. Collection method: clinical testing. Allele origin: germline.

Department of Pathology and Laboratory Medicine, Sinai Health System
Classification: Uncertain significance for ASAH1-related sphingolipidosis. Last evaluated: 2022-10-31. Review status: criteria provided, single submitter. Criteria: ACMG Guidelines, 2015. Collection method: research. Allele origin: germline.

Mendelics
Classification: Benign. Last evaluated: 2022-05-04. Review status: criteria provided, single submitter. Criteria: Mendelics Assertion Criteria 2019. Collection method: clinical testing. Allele origin: germline.

Bioinformatics Core, Luxembourg Center for Systems Biomedicine
Classification: Pathogenic for Self-limited epilepsy with centrotemporal spikes. Last evaluated: 2017-01-01. Review status: no assertion criteria provided. Collection method: case-control. Allele origin: germline. Affected: yes. Study: EUROEPINOMICS COGIE. Not counted in ClinVar's aggregate classification.

Literature cited by the submitters: PubMed 31589614 (cited by Women's Health and Genetics/Laboratory Corporation of America, LabCorp); PubMed 29358611 (cited by Women's Health and Genetics/Laboratory Corporation of America, LabCorp and Bioinformatics Core, Luxembourg Center for Systems Biomedicine); PubMed 34377212 (cited by Women's Health and Genetics/Laboratory Corporation of America, LabCorp).